The following is an entry in ClinVar:

NM_001039876.3(SYNE4):c.476C>T (p.Ala159Val)

Gene: SYNE4 (spectrin repeat containing nuclear envelope family member 4; minus strand). Cytogenetic location: 19q13.12.
Variant type: single nucleotide variant.
Coding change: c.476C>T on transcript NM_001039876.3 (MANE Select); coding-DNA position 476, C replaced by T.
Protein change: p.Ala159Val; replaces alanine 159 with valine.
Molecular consequence: missense variant. On other transcripts: intron variant (1).
Genome position (GRCh38, 1-based): chr19:36,006,892, G>A on the plus strand (C>T on the coding strand, the complement: SYNE4 is on the minus strand). VCF-style: chr19-36006892-G-A. GRCh37 (hg19) VCF-style: chr19-36497794-G-A.
Other names: c.476C>T (NM_001039876.2); c.280-221C>T (NM_001297735.3); short protein forms A159V.
Identifiers: ClinVar variation 2385612 (VCV002385612.5), dbSNP rs111709159, ClinGen allele CA9393919.
Genomic context (GRCh38, chr19:36,006,892, plus strand): 5'-ATCTGCTCCAGGGCTGCCCAGGCCCTGGGCTCACTCCGCTGTGCCAGCCCCTCACCAAAC[G>A]CTAGCAGCGCCTCCACACGCTCAGCTGCCCCTCGTAGGTCCACCTGGAGGGCCTGGGGAC-3'
Protein context (NP_001034965.1, residues 149-169): GAAERVEALL[Ala159Val]FGEGLAQRSE

ClinVar aggregate classification (germline): Uncertain significance. Review status: criteria provided, multiple submitters, no conflicts (2 of 4 stars). 3 submissions from 3 submitters: Uncertain significance (3). Last evaluated 2025-06-17.

Conditions:
SYNE4-related disorder. Also called: SYNE4-related condition.

Allele frequency attached by ClinVar (database versions not stated): gnomAD 0.00009; TOPMed 0.00009; gnomAD exomes 0.00012; 1000 Genomes Project 30x 0.00016; 1000 Genomes Project 0.00020.

Submissions (3):

Ambry Genetics
Classification: Uncertain significance. Last evaluated: 2025-06-17. Review status: criteria provided, single submitter. Criteria: Ambry Variant Classification Scheme 2023. Collection method: clinical testing. Allele origin: germline.

PreventionGenetics, part of Exact Sciences
Classification: Uncertain significance for SYNE4-related condition. Last evaluated: 2025-03-20. Review status: criteria provided, single submitter. Criteria: ACMG Guidelines, 2015. Collection method: clinical testing. Allele origin: germline.
Comment: The SYNE4 c.476C>T variant is predicted to result in the amino acid substitution p.Ala159Val. To our knowledge, this variant has not been reported in the literature. This variant is reported in 0.020% of alleles in individuals of Latino descent in gnomAD. At this time, the clinical significance of this variant is uncertain due to the absence of conclusive functional and genetic evidence.

GeneDx
Classification: Uncertain significance. Last evaluated: 2024-09-30. Review status: criteria provided, single submitter. Criteria: GeneDx Variant Classification Process June 2021. Collection method: clinical testing. Allele origin: germline. Affected: yes.
Comment: In silico analysis indicates that this missense variant does not alter protein structure/function; Has not been previously published as pathogenic or benign to our knowledge